The following is an entry in ClinVar:

ClinVar aggregate classification (germline): Uncertain significance (1 of 4 stars; one submission).

Submission:

Ambry Genetics
Classification: Uncertain significance. Last evaluated: 2021-08-24. Review status: criteria provided, single submitter. Criteria: Ambry Variant Classification Scheme 2023. Collection method: clinical testing. Allele origin: germline.
Comment: The p.D392N variant (also known as c.1174G>A), located in coding exon 8 of the POLQ gene, results from a G to A substitution at nucleotide position 1174. The aspartic acid at codon 392 is replaced by asparagine, an amino acid with highly similar properties. This amino acid position is conserved. In addition, this alteration is predicted to be tolerated by in silico analysis. Since supporting evidence is limited at this time, the clinical significance of this alteration remains unclear.

NM_199420.4(POLQ):c.1174G>A (p.Asp392Asn)

Gene: POLQ (DNA polymerase theta; minus strand). Cytogenetic location: 3q13.33.
Variant type: single nucleotide variant.
Coding change: c.1174G>A on transcript NM_199420.4 (MANE Select); coding-DNA position 1174, G replaced by A.
Protein change: p.Asp392Asn; replaces aspartic acid 392 with asparagine.
Molecular consequence: missense variant.
Genome position (GRCh38, 1-based): chr3:121,522,084, C>T on the plus strand (G>A on the coding strand, the complement: POLQ is on the minus strand). VCF-style: chr3-121522084-C-T. GRCh37 (hg19) VCF-style: chr3-121240931-C-T.
Other names: short protein forms D392N.
Identifiers: ClinVar variation 1740358 (VCV001740358.2), dbSNP rs2546811703, ClinGen allele CA354121747.